The following is an entry in ClinVar:

ClinVar aggregate classification (germline): Uncertain significance (1 of 4 stars; one submission).

Conditions:
KIDINS220-related disorder. Also called: KIDINS220-related condition.

gnomAD v4.1: 1 of 1,562,022 alleles (0.000064%); highest among the groups gnomAD compares: Non-Finnish European, 0.000086%; no homozygotes.

Submission:

PreventionGenetics, part of Exact Sciences
Classification: Uncertain significance for KIDINS220-related condition. Last evaluated: 2024-12-05. Review status: criteria provided, single submitter. Criteria: ACMG Guidelines, 2015. Collection method: clinical testing. Allele origin: germline.
Comment: The KIDINS220 c.3427C>T variant is predicted to result in the amino acid substitution p.Pro1143Ser. To our knowledge, this variant has not been reported in the literature. This variant is reported in 0.00099% of alleles in individuals of European (Non-Finnish) descent in gnomAD. At this time, the clinical significance of this variant is uncertain due to the absence of conclusive functional and genetic evidence.

NM_020738.4(KIDINS220):c.3427C>T (p.Pro1143Ser)

Gene: KIDINS220 (kinase D interacting substrate 220; minus strand). Cytogenetic location: 2p25.1.
Variant type: single nucleotide variant.
Coding change: c.3427C>T on transcript NM_020738.4 (MANE Select); coding-DNA position 3427, C replaced by T.
Protein change: p.Pro1143Ser; replaces proline 1143 with serine.
Molecular consequence: missense variant. On other transcripts: non-coding transcript variant (1), intron variant (8).
Genome position (GRCh38, 1-based): chr2:8,747,988, G>A on the plus strand (C>T on the coding strand, the complement: KIDINS220 is on the minus strand). VCF-style: chr2-8747988-G-A. GRCh37 (hg19) VCF-style: chr2-8888118-G-A.
Other names: c.3430C>T, p.Pro1144Ser (NM_001348729.2, NM_001348731.2); c.3427C>T, p.Pro1143Ser (NM_001348732.2, NM_001348738.2); c.3414+2124C>T (NM_001348741.2, NM_001348742.2, NM_001348743.2 and 1 more transcripts); c.3417+2124C>T (NM_001348739.2, NM_001348740.2, NM_001348734.2); c.3288+2124C>T (NM_001348736.2); short protein forms P1144S, P1143S.
Identifiers: ClinVar variation 4998522 (VCV004998522.1).